The following is an entry in ClinVar:

NM_001845.6(COL4A1):c.1890_1897+77del

Gene: COL4A1 (collagen type IV alpha 1 chain; minus strand). Cytogenetic location: 13q34.
Variant type: Deletion.
Coding change: c.1890_1897+77del on transcript NM_001845.6 (MANE Select); coding-DNA position 1890 through 77 bases into the intron after coding-DNA position 1897, 85 bases deleted.
Molecular consequence: splice donor variant.
Genome position (GRCh38, 1-based): chr13:110,186,308-110,186,392, 85 bases deleted. GRCh37 (hg19): chr13:110,838,656-110,838,740.
Identifiers: ClinVar variation 1450480 (VCV001450480.8), dbSNP rs2139173063, ClinGen allele CA2573149429.

ClinVar aggregate classification (germline): Pathogenic (1 of 4 stars; one submission).

Submission:

Labcorp Genetics (formerly Invitae), Labcorp
Classification: Pathogenic. Last evaluated: 2024-02-24. Review status: criteria provided, single submitter. Criteria: Invitae Variant Classification Sherloc (09022015). Collection method: clinical testing. Allele origin: germline.
Comment: This variant results in the deletion of exon 26 (c.1890_1897+77del) of the COL4A1 gene. It is expected to disrupt RNA splicing. Variants that disrupt the donor or acceptor splice site typically lead to a loss of protein function (PMID: 16199547), and loss-of-function variants in COL4A1 are known to be pathogenic (PMID: 23225343). This variant is not present in population databases (gnomAD no frequency). This variant has not been reported in the literature in individuals affected with COL4A1-related conditions. ClinVar contains an entry for this variant (Variation ID: 1450480). This variant disrupts the triple helix domain of COL4A1. Glycine residues within the Gly-Xaa-Yaa repeats of the triple helix domain are required for the structure and stability of fibrillar collagens (PMID: 7695699, 8218237, 19344236). In COL4A1 variants affecting these glycine residues are significantly enriched in individuals with disease (PMID: 9016532, 17078022) compared to the general population (ExAC). For these reasons, this variant has been classified as Pathogenic.

Literature cited by the submitters: PubMed 16199547; PubMed 23225343; PubMed 7695699; PubMed 8218237; PubMed 19344236; PubMed 9016532; PubMed 17078022.